The following is an entry in ClinVar:

ClinVar aggregate classification (germline): Likely benign (0 of 4 stars; one submission).

Conditions:
Familial cancer of breast. Also called: BREAST CANCER, FAMILIAL; hereditary breast carcinoma; Hereditary breast cancer. Identifiers: Orphanet 227535, MedGen C0346153, MONDO:0016419, OMIM 114480. Disease mechanism: loss of function.

Submission:

Leiden Open Variation Database
Classification: Likely benign for Familial cancer of breast. Last evaluated: 2019-05-13. Review status: no assertion criteria provided. Collection method: curation. Allele origin: germline. Affected: yes.
Comment: Curators: Marc Tischkowitz, Arleen D. Auerbach. Submitter to LOVD: Marc Tischkowitz.

Literature cited by the submitters: PubMed 22241545.

NM_024675.4(PALB2):c.212-25T>A

Gene: PALB2 (partner and localizer of BRCA2; minus strand). Cytogenetic location: 16p12.2.
Variant type: single nucleotide variant.
Coding change: c.212-25T>A on transcript NM_024675.4 (MANE Select); 25 bases into the intron before coding-DNA position 212, T replaced by A.
Molecular consequence: intron variant.
Genome position (GRCh38, 1-based): chr16:23,636,359, A>T on the plus strand (T>A on the coding strand, the complement: PALB2 is on the minus strand). VCF-style: chr16-23636359-A-T. GRCh37 (hg19) VCF-style: chr16-23647680-A-T.
Identifiers: ClinVar variation 126632 (VCV000126632.3), dbSNP rs515726077, ClinGen allele CA269517.